The following is an entry in ClinVar:

ClinVar aggregate classification (germline): Uncertain significance. Review status: criteria provided, multiple submitters, no conflicts (2 of 4 stars). 2 submissions from 2 submitters: Uncertain significance (2). Last evaluated 2026-08-15.

Conditions:
Neurofibromatosis, type 1 (NF1). Also called: VON RECKLINGHAUSEN DISEASE; Neurofibromatosis, type I; Peripheral type neurofibromatosis; NEUROFIBROMATOSIS, TYPE I, SOMATIC. Identifiers: Orphanet 636, MedGen C0027831, MONDO:0018975, OMIM 162200. Disease mechanism: loss of function.
Hereditary cancer-predisposing syndrome. Also called: Neoplastic Syndromes, Hereditary; Hereditary Cancer Syndrome; Hereditary neoplastic syndrome; Tumor predisposition. Identifiers: Orphanet 140162, MedGen C0027672, MeSH D009386, MONDO:0015356.
Cardiovascular phenotype. Identifiers: MedGen CN230736.

Allele frequency attached by ClinVar (database versions not stated): gnomAD exomes below 0.00001.
gnomAD v4.1: 1 of 1,614,160 alleles (0.000062%); highest among the groups gnomAD compares: Non-Finnish European, 0.000085%; no homozygotes.

Submissions (2):

Ambry Genetics
Classification: Uncertain significance for Cardiovascular phenotype; Hereditary cancer-predisposing syndrome. Last evaluated: 2026-08-15. Review status: criteria provided, single submitter. Criteria: Ambry Variant Classification Scheme 2023. Collection method: clinical testing. Allele origin: germline.
Comment: The p.D1774G variant (also known as c.5321A>G), located in coding exon 37 of the NF1 gene, results from an A to G substitution at nucleotide position 5321. The aspartic acid at codon 1774 is replaced by glycine, an amino acid with similar properties. This amino acid position is conserved. In addition, this alteration is predicted to be deleterious by in silico analysis. Based on the available evidence, the clinical significance of this variant remains unclear.

Labcorp Genetics (formerly Invitae), Labcorp
Classification: Uncertain significance for Neurofibromatosis, type 1. Last evaluated: 2024-09-09. Review status: criteria provided, single submitter. Criteria: Invitae Variant Classification Sherloc (09022015). Collection method: clinical testing. Allele origin: germline.
Comment: This sequence change replaces aspartic acid, which is acidic and polar, with glycine, which is neutral and non-polar, at codon 1774 of the NF1 protein (p.Asp1774Gly). This variant is not present in population databases (gnomAD no frequency). This variant has not been reported in the literature in individuals affected with NF1-related conditions. ClinVar contains an entry for this variant (Variation ID: 581986). Invitae Evidence Modeling of protein sequence and biophysical properties (such as structural, functional, and spatial information, amino acid conservation, physicochemical variation, residue mobility, and thermodynamic stability) indicates that this missense variant is expected to disrupt NF1 protein function with a positive predictive value of 95%. RNA analysis performed to evaluate the impact of this missense change on mRNA splicing indicates it does not significantly alter splicing (internal data). In summary, the available evidence is currently insufficient to determine the role of this variant in disease. Therefore, it has been classified as a Variant of Uncertain Significance.

NM_001042492.3(NF1):c.5384A>G (p.Asp1795Gly)

Gene: NF1 (neurofibromin 1; plus strand). Cytogenetic location: 17q11.2.
Variant type: single nucleotide variant.
Coding change: c.5384A>G on transcript NM_001042492.3 (MANE Select); coding-DNA position 5384, A replaced by G.
Protein change: p.Asp1795Gly; replaces aspartic acid 1795 with glycine.
Molecular consequence: missense variant.
Genome position (GRCh38, 1-based): chr17:31,327,614, A>G. VCF-style: chr17-31327614-A-G. GRCh37 (hg19) VCF-style: chr17-29654632-A-G.
Other names: c.5321A>G, p.Asp1774Gly (NM_000267.4); short protein forms D1795G, D1774G.
Identifiers: ClinVar variation 581986 (VCV000581986.6), dbSNP rs1567612446, ClinGen allele CA399009316.
Genomic context (GRCh38, chr17:31,327,614, plus strand): 5'-AATCAGTCTTTCTAAATGACATTTATTATGCTTCGGAAATTGAAGAAATCTGCCTAGTAG[A>G]TGAGAACCAGTTCACCTTAACCATTGCAAACCAGGGCACGCCGCTCACCTTCATGCACCA-3'
Protein context (NP_001035957.1, residues 1785-1805): ASEIEEICLV[Asp1795Gly]ENQFTLTIAN